The following is an entry in ClinVar:

ClinVar aggregate classification (germline): Uncertain significance (1 of 4 stars; one submission).

Conditions:
EGFR-related lung cancer (EGFR). Identifiers: MedGen CN130014.

gnomAD v4.1: 1 of 1,614,186 alleles (0.000062%); highest among the groups gnomAD compares: Non-Finnish European, 0.000085%; no homozygotes.

Submission:

Labcorp Genetics (formerly Invitae), Labcorp
Classification: Uncertain significance for EGFR-related lung cancer. Last evaluated: 2026-01-26. Review status: criteria provided, single submitter. Criteria: Invitae Variant Classification Sherloc (09022015). Collection method: clinical testing. Allele origin: germline.
Comment: This sequence change replaces valine, which is neutral and non-polar, with alanine, which is neutral and non-polar, at codon 904 of the EGFR protein (p.Val904Ala). This variant is not present in population databases (gnomAD no frequency). This variant has not been reported in the literature in individuals affected with EGFR-related conditions. Invitae Evidence Modeling of protein sequence and biophysical properties (such as structural, functional, and spatial information, amino acid conservation, physicochemical variation, residue mobility, and thermodynamic stability) indicates that this missense variant is not expected to disrupt EGFR protein function with a negative predictive value of 80%. In summary, the available evidence is currently insufficient to determine the role of this variant in disease. Therefore, it has been classified as a Variant of Uncertain Significance.

NM_005228.5(EGFR):c.2711T>C (p.Val904Ala)

Gene: EGFR (epidermal growth factor receptor; plus strand). Cytogenetic location: 7p11.2.
Variant type: single nucleotide variant.
Coding change: c.2711T>C on transcript NM_005228.5 (MANE Select); coding-DNA position 2711, T replaced by C.
Protein change: p.Val904Ala; replaces valine 904 with alanine.
Molecular consequence: missense variant.
Genome position (GRCh38, 1-based): chr7:55,198,726, T>C. VCF-style: chr7-55198726-T-C. GRCh37 (hg19) VCF-style: chr7-55266419-T-C.
Other names: c.2576T>C, p.Val859Ala (NM_001346897.2, NM_001346899.2); c.2711T>C, p.Val904Ala (NM_001346898.2); c.2552T>C, p.Val851Ala (NM_001346900.2); c.1910T>C, p.Val637Ala (NM_001346941.2); short protein forms V904A, V851A, V637A, V859A.
Identifiers: ClinVar variation 4745971 (VCV004745971.1).